The following is an entry in ClinVar:

NM_019109.5(ALG1):c.590A>C (p.Asn197Thr)

Gene: ALG1 (ALG1 chitobiosyldiphosphodolichol beta-mannosyltransferase; plus strand). Cytogenetic location: 16p13.3.
Variant type: single nucleotide variant.
Coding change: c.590A>C on transcript NM_019109.5 (MANE Select); coding-DNA position 590, A replaced by C.
Protein change: p.Asn197Thr; replaces asparagine 197 with threonine.
Molecular consequence: missense variant.
Genome position (GRCh38, 1-based): chr16:5,077,495, A>C. VCF-style: chr16-5077495-A-C. GRCh37 (hg19) VCF-style: chr16-5127496-A-C.
Other names: c.257A>C, p.Asn86Thr (NM_001330504.2); short protein forms N197T, N86T.
Identifiers: ClinVar variation 2127702 (VCV002127702.4), dbSNP rs780593921, ClinGen allele CA394681327.
Genomic context (GRCh38, chr16:5,077,495, plus strand): 5'-CTCTTTTCAGGTACGAGAAGTTCTTTGGGCGCCTGTCCCACCTGAACCTGTGTGTTACCA[A>C]TGCTATGCGAGAAGACCTGGCGGATAACTGGCACATCAGGTACCATGGCCTGGGATGACG-3'
Protein context (NP_061982.3, residues 187-207): RLSHLNLCVT[Asn197Thr]AMREDLADNW

ClinVar aggregate classification (germline): Uncertain significance (1 of 4 stars; one submission).

Conditions:
ALG1-congenital disorder of glycosylation. Also called: ALG1-CDG; CDG Ik; CONGENITAL DISORDER OF GLYCOSYLATION, TYPE Ik. Identifiers: Orphanet 79327, MedGen C2931005, MONDO:0012052, OMIM 608540.

Submission:

Labcorp Genetics (formerly Invitae), Labcorp
Classification: Uncertain significance for ALG1-congenital disorder of glycosylation. Last evaluated: 2022-04-18. Review status: criteria provided, single submitter. Criteria: Invitae Variant Classification Sherloc (09022015). Collection method: clinical testing. Allele origin: germline.
Comment: This variant is not present in population databases (gnomAD no frequency). In summary, the available evidence is currently insufficient to determine the role of this variant in disease. Therefore, it has been classified as a Variant of Uncertain Significance. Advanced modeling of protein sequence and biophysical properties (such as structural, functional, and spatial information, amino acid conservation, physicochemical variation, residue mobility, and thermodynamic stability) performed at Invitae indicates that this missense variant is not expected to disrupt ALG1 protein function. This variant has not been reported in the literature in individuals affected with ALG1-related conditions. This sequence change replaces asparagine, which is neutral and polar, with threonine, which is neutral and polar, at codon 197 of the ALG1 protein (p.Asn197Thr).